The following is an entry in ClinVar:

ClinVar aggregate classification (germline): Uncertain significance. Review status: criteria provided, multiple submitters, no conflicts (2 of 4 stars). 3 submissions from 3 submitters: Uncertain significance (3). Last evaluated 2024-01-22.

Conditions:
Hyperprolinemia type 2 (HYRPRO2). Also called: 1-PYRROLINE-5-CARBOXYLATE DEHYDROGENASE DEFICIENCY; Delta-1-pyrroline-5-carboxylate dehydrogenase deficiency; Deficiency of pyrroline-5-carboxylate reductase. Identifiers: Orphanet 79101, MedGen C2931835, MONDO:0009401, OMIM 239510.

Allele frequency attached by ClinVar (database versions not stated): ESP Exome Variant Server 0.00015; gnomAD exomes 0.00019 and 0.00026; gnomAD 0.00022; TOPMed 0.00025; ExAC 0.00050.
gnomAD v4.1: 325 of 1,567,174 alleles (0.021%); highest among the groups gnomAD compares: Middle Eastern, 0.57%; 2 homozygotes.

Submissions (3):

Labcorp Genetics (formerly Invitae), Labcorp
Classification: Uncertain significance for Hyperprolinemia type 2. Last evaluated: 2024-01-22. Review status: criteria provided, single submitter. Criteria: Invitae Variant Classification Sherloc (09022015). Collection method: clinical testing. Allele origin: germline.
Comment: This sequence change affects codon 379 of the ALDH4A1 mRNA. It is a 'silent' change, meaning that it does not change the encoded amino acid sequence of the ALDH4A1 protein. It affects a nucleotide within the consensus splice site. This variant is present in population databases (rs140704780, gnomAD 0.09%). This variant has not been reported in the literature in individuals affected with ALDH4A1-related conditions. ClinVar contains an entry for this variant (Variation ID: 940888). Algorithms developed to predict the effect of sequence changes on RNA splicing suggest that this variant is not likely to affect RNA splicing. In summary, the available evidence is currently insufficient to determine the role of this variant in disease. Therefore, it has been classified as a Variant of Uncertain Significance.

Department of Pathology and Laboratory Medicine, Sinai Health System
Classification: Uncertain significance for Hyperprolinemia type 2. Last evaluated: 2023-01-24. Review status: criteria provided, single submitter. Criteria: ACMG Guidelines, 2015. Collection method: research. Allele origin: germline.

Breakthrough Genomics
Classification: Uncertain significance. Review status: criteria provided, single submitter. Criteria: ACMG Guidelines, 2015. Collection method: not provided. Allele origin: germline. Inheritance: Autosomal recessive inheritance. Affected: yes.

NM_003748.4(ALDH4A1):c.1137C>T (p.Asp379=)

Gene: ALDH4A1 (aldehyde dehydrogenase 4 family member A1; minus strand). Cytogenetic location: 1p36.13.
Variant type: single nucleotide variant.
Coding change: c.1137C>T on transcript NM_003748.4 (MANE Select); coding-DNA position 1137, C replaced by T.
Protein change: p.Asp379=; no amino-acid change (aspartic acid 379 retained).
Molecular consequence: synonymous variant.
Genome position (GRCh38, 1-based): chr1:18,877,416, G>A on the plus strand (C>T on the coding strand, the complement: ALDH4A1 is on the minus strand). VCF-style: chr1-18877416-G-A. GRCh37 (hg19) VCF-style: chr1-19203910-G-A.
Other names: c.957C>T, p.Asp319= (NM_001161504.2); c.1137C>T, p.Asp379= (NM_001319218.2, NM_170726.3).
Identifiers: ClinVar variation 940888 (VCV000940888.9), dbSNP rs140704780, ClinGen allele CA647070.
Genomic context (GRCh38, chr1:18,877,416, plus strand): 5'-CAGGGACCCAATCCCATCAGCCCCCCGCTGGGCCGCGGCGGGGGTGACGGTGCCACTCAC[G>A]TCGCCCACTTTGATCCGACTGTGCTCCTCCAGCAGCCGCCCTTTGATCTGCGGCCACAGC-3'
Protein context (NP_003739.2, residues 369-389): LEEHSRIKVG[Asp379=]PAEDFGTFFS